The following is an entry in ClinVar:

ClinVar aggregate classification (germline): Uncertain significance. Review status: criteria provided, multiple submitters, no conflicts (2 of 4 stars). 3 submissions from 3 submitters: Uncertain significance (3). Last evaluated 2024-12-15.

Conditions:
Inborn genetic diseases. Identifiers: MedGen C0950123, MeSH D030342.
Progressive sclerosing poliodystrophy (MTDPS4A). Also called: Mitochondrial DNA depletion syndrome 4A (Alpers type); ALPERS PROGRESSIVE INFANTILE POLIODYSTROPHY; NEURONAL DEGENERATION OF CHILDHOOD WITH LIVER DISEASE, PROGRESSIVE; Mitochondrial DNA Depletion Syndrome 4A; Alpers-Huttenlocher Syndrome (AHS); Alpers Syndrome. Identifiers: Orphanet 726, MedGen C0205710, MONDO:0008758, OMIM 203700.

Allele frequency attached by ClinVar (database versions not stated): gnomAD exomes below 0.00001; TOPMed below 0.00001; gnomAD 0.00001.

Submissions (3):

GeneDx
Classification: Uncertain significance. Last evaluated: 2024-12-15. Review status: criteria provided, single submitter. Criteria: GeneDx Variant Classification Process June 2021. Collection method: clinical testing. Allele origin: germline. Affected: yes.
Comment: Not observed at significant frequency in large population cohorts (gnomAD); In silico analysis supports that this missense variant has a deleterious effect on protein structure/function; Has not been previously published as pathogenic or benign to our knowledge

Labcorp Genetics (formerly Invitae), Labcorp
Classification: Uncertain significance for Progressive sclerosing poliodystrophy. Last evaluated: 2024-10-11. Review status: criteria provided, single submitter. Criteria: Invitae Variant Classification Sherloc (09022015). Collection method: clinical testing. Allele origin: germline.
Comment: This sequence change replaces valine, which is neutral and non-polar, with methionine, which is neutral and non-polar, at codon 624 of the POLG protein (p.Val624Met). This variant is not present in population databases (gnomAD no frequency). This variant has not been reported in the literature in individuals affected with POLG-related conditions. ClinVar contains an entry for this variant (Variation ID: 1367175). Invitae Evidence Modeling of protein sequence and biophysical properties (such as structural, functional, and spatial information, amino acid conservation, physicochemical variation, residue mobility, and thermodynamic stability) indicates that this missense variant is expected to disrupt POLG protein function with a positive predictive value of 95%. In summary, the available evidence is currently insufficient to determine the role of this variant in disease. Therefore, it has been classified as a Variant of Uncertain Significance.

Ambry Genetics
Classification: Uncertain significance for Inborn genetic diseases. Last evaluated: 2023-06-06. Review status: criteria provided, single submitter. Criteria: Ambry Variant Classification Scheme 2023. Collection method: clinical testing. Allele origin: germline.

NM_002693.3(POLG):c.1870G>A (p.Val624Met)

Gene: POLG (DNA polymerase gamma, catalytic subunit; minus strand). Cytogenetic location: 15q26.1.
Variant type: single nucleotide variant.
Coding change: c.1870G>A on transcript NM_002693.3 (MANE Select); coding-DNA position 1870, G replaced by A.
Protein change: p.Val624Met; replaces valine 624 with methionine.
Molecular consequence: missense variant.
Genome position (GRCh38, 1-based): chr15:89,325,529, C>T on the plus strand (G>A on the coding strand, the complement: POLG is on the minus strand). VCF-style: chr15-89325529-C-T. GRCh37 (hg19) VCF-style: chr15-89868760-C-T.
Other names: c.1870G>A, p.Val624Met (NM_001126131.2); c.1870G>A (NM_002693.2); short protein forms V624M.
Identifiers: ClinVar variation 1367175 (VCV001367175.10), dbSNP rs1362000189, ClinGen allele CA393759190.